The following is an entry in ClinVar:

ClinVar aggregate classification (germline): Uncertain significance (1 of 4 stars; one submission).

Conditions:
Hereditary diffuse gastric adenocarcinoma (HDGC). Also called: DIFFUSE GASTRIC AND LOBULAR BREAST CANCER SYNDROME. Identifiers: Orphanet 26106, MedGen C1708349, MONDO:0007648, OMIM 137215.

Submission:

European Reference Network on Genetic Tumour Risk Syndromes (ERN-GENTURIS), i3s - Instituto de Investigação e Inovação em Saúde, University of Porto
Classification: Uncertain significance for Hereditary diffuse gastric adenocarcinoma. Last evaluated: 2022-08-01. Review status: criteria provided, single submitter. Criteria: Lee et al. (Hum Mutat. 2018). Collection method: clinical testing. Allele origin: germline. Inheritance: Autosomal dominant inheritance. Affected: yes. Study: ERN GENTURIS.
Comment: PS4_Supporting; PM2 (PMID: 30311375)

Literature cited by the submitters: PubMed 36436516; PubMed 26072394.

NM_004360.5(CDH1):c.1748T>G (p.Leu583Arg)

Gene: CDH1 (cadherin 1; plus strand). Cytogenetic location: 16q22.1.
Variant type: single nucleotide variant.
Coding change: c.1748T>G on transcript NM_004360.5 (MANE Select); coding-DNA position 1748, T replaced by G.
Protein change: p.Leu583Arg; replaces leucine 583 with arginine.
Molecular consequence: missense variant. On other transcripts: 5 prime UTR variant (1).
Genome position (GRCh38, 1-based): chr16:68,822,037, T>G. VCF-style: chr16-68822037-T-G. GRCh37 (hg19) VCF-style: chr16-68855940-T-G.
Other names: c.1565T>G, p.Leu522Arg (NM_001317184.2); c.200T>G, p.Leu67Arg (NM_001317185.2); c.-218T>G (NM_001317186.2); short protein forms L522R, L583R, L67R.
Identifiers: ClinVar variation 2502978 (VCV002502978.1), dbSNP rs2152138204, ClinGen allele CA396466425.
Genomic context (GRCh38, chr16:68,822,037, plus strand): 5'-CATTTTCTGTGTATTTTCTCTTAGGTTCTCCAGTTGCTACTGGAACAGGGACACTTCTGC[T>G]GATCCTGTCTGATGTGAATGACAACGCCCCCATACCAGAACCTCGAACTATATTCTTCTG-3'
Protein context (NP_004351.1, residues 573-593): PVATGTGTLL[Leu583Arg]ILSDVNDNAP